The following is an entry in ClinVar:

NM_004656.4(BAP1):c.386A>G (p.Tyr129Cys)

Gene: BAP1 (BRCA1 associated deubiquitinase 1; minus strand). Cytogenetic location: 3p21.1.
Variant type: single nucleotide variant.
Coding change: c.386A>G on transcript NM_004656.4 (MANE Select); coding-DNA position 386, A replaced by G.
Protein change: p.Tyr129Cys; replaces tyrosine 129 with cysteine.
Molecular consequence: missense variant.
Genome position (GRCh38, 1-based): chr3:52,407,450, T>C on the plus strand (A>G on the coding strand, the complement: BAP1 is on the minus strand). VCF-style: chr3-52407450-T-C. GRCh37 (hg19) VCF-style: chr3-52441466-T-C.
Other names: c.386A>G (NM_004656.2); short protein forms Y129C.
Identifiers: ClinVar variation 1012075 (VCV001012075.6), dbSNP rs1705203003, ClinGen allele CA353111242.
Genomic context (GRCh38, chr3:52,407,450, plus strand): 5'-CCCACACACCTGGCATGGCTATTATGGGCCTTGGCCAACTCCGGGGCATTGCCAATCGCA[T>C]ATCCTTTGCTCTACGGGGAAGAAAATAAGGCCGTATCAGAATAATTTCTCCTCAGGTAGG-3'
Protein context (NP_004647.1, residues 119-139): TKGFSPESKG[Tyr129Cys]AIGNAPELAK

ClinVar aggregate classification (germline): Uncertain significance. Review status: criteria provided, multiple submitters, no conflicts (2 of 4 stars). 2 submissions from 2 submitters: Uncertain significance (2). Last evaluated 2025-11-02.

Conditions:
Hereditary cancer-predisposing syndrome. Also called: Hereditary Cancer Syndrome; Tumor predisposition; Neoplastic Syndromes, Hereditary; Hereditary neoplastic syndrome. Identifiers: Orphanet 140162, MedGen C0027672, MeSH D009386, MONDO:0015356.
BAP1-related tumor predisposition syndrome (TPDS1). Also called: BAP1 tumor predisposition syndrome; Tumor susceptibility linked to germline BAP1 mutations; TUMOR PREDISPOSITION SYNDROME 1; COMMON Syndrome. Identifiers: Orphanet 289539, MedGen C3280492, MONDO:0013692, OMIM 614327.

Submissions (2):

Ambry Genetics
Classification: Uncertain significance for Hereditary cancer-predisposing syndrome. Last evaluated: 2025-11-02. Review status: criteria provided, single submitter. Criteria: Ambry Variant Classification Scheme 2023. Collection method: clinical testing. Allele origin: germline.
Comment: The p.Y129C variant (also known as c.386A>G), located in coding exon 6 of the BAP1 gene, results from an A to G substitution at nucleotide position 386. The tyrosine at codon 129 is replaced by cysteine, an amino acid with highly dissimilar properties. This amino acid position is conserved. In addition, the in silico prediction for this alteration is inconclusive. Based on the available evidence, the clinical significance of this variant remains unclear.

Labcorp Genetics (formerly Invitae), Labcorp
Classification: Uncertain significance for BAP1-related tumor predisposition syndrome. Last evaluated: 2020-03-08. Review status: criteria provided, single submitter. Criteria: Invitae Variant Classification Sherloc (09022015). Collection method: clinical testing. Allele origin: germline.
Comment: In summary, the available evidence is currently insufficient to determine the role of this variant in disease. Therefore, it has been classified as a Variant of Uncertain Significance. Algorithms developed to predict the effect of missense changes on protein structure and function (SIFT, PolyPhen-2, Align-GVGD) all suggest that this variant is likely to be disruptive, but these predictions have not been confirmed by published functional studies and their clinical significance is uncertain. This variant has not been reported in the literature in individuals with BAP1-related conditions. This variant is not present in population databases (ExAC no frequency). This sequence change replaces tyrosine with cysteine at codon 129 of the BAP1 protein (p.Tyr129Cys). The tyrosine residue is highly conserved and there is a large physicochemical difference between tyrosine and cysteine.